The following is an entry in ClinVar:

NM_001375380.1(EBF3):c.1351A>G (p.Thr451Ala)

Gene: EBF3 (EBF transcription factor 3; minus strand). Cytogenetic location: 10q26.3.
Variant type: single nucleotide variant.
Coding change: c.1351A>G on transcript NM_001375380.1 (MANE Select); coding-DNA position 1351, A replaced by G.
Protein change: p.Thr451Ala; replaces threonine 451 with alanine.
Molecular consequence: missense variant.
Genome position (GRCh38, 1-based): chr10:129,842,137, T>C on the plus strand (A>G on the coding strand, the complement: EBF3 is on the minus strand). VCF-style: chr10-129842137-T-C. GRCh37 (hg19) VCF-style: chr10-131640401-T-C.
Other names: c.1324A>G, p.Thr442Ala (NM_001005463.3, NM_001375390.1, NM_001375392.1); c.1351A>G, p.Thr451Ala (NM_001375379.1, NM_001375389.1, NM_001375391.1); short protein forms T442A, T451A.
Identifiers: ClinVar variation 1184357 (VCV001184357.2), dbSNP rs1850109343, ClinGen allele CA378719846.

ClinVar aggregate classification (germline): Uncertain significance. Review status: criteria provided, multiple submitters, no conflicts (2 of 4 stars). 2 submissions from 2 submitters: Uncertain significance (2). Last evaluated 2023-06-20.

Conditions:
Hypotonia, ataxia, and delayed development syndrome (HADDS). Also called: EBF3 Neurodevelopmental Disorder. Identifiers: Orphanet 658843, MedGen C4310618, MONDO:0015021, OMIM 617330.

Allele frequency attached by ClinVar (database versions not stated): gnomAD 0.00001; gnomAD exomes 0.00001; TOPMed 0.00001.
gnomAD v4.1: 4 of 1,614,100 alleles (0.00025%); highest among the groups gnomAD compares: Non-Finnish European, 0.00034%; no homozygotes.

Submissions (2):

Blueprint Genetics
Classification: Uncertain significance. Last evaluated: 2023-06-20. Review status: criteria provided, single submitter. Criteria: ACMG Guidelines, 2015. Collection method: clinical testing. Allele origin: germline.

New York Genome Center
Classification: Uncertain significance for Hypotonia, ataxia, and delayed development syndrome. Last evaluated: 2020-07-03. Review status: criteria provided, single submitter. Criteria: NYGC Assertion Criteria 2020. Collection method: clinical testing. Allele origin: inherited. Observed: 1 heterozygote. Study: CSER-NYCKidSeq.
Comment: The inherited, heterozygous p.Thr442Ala missense variant identified in the EBF3 gene has not been reported in affected individuals in the literature. The variant has 0.000006977 allele frequency in the gnomAD(v3) database (1 out of 143,332 heterozygous alleles) indicating it is an extremely rare allele in the general population. The variant affects an evolutionarily conserved residue. In silico prediction tools provide conflicting interpretations about potential pathogenicity of this variant. Based on the available evidence, the inherited p.Thr442Ala missense variant identified in EBF3 gene is assessed as a variant of uncertain significance.